The following is an entry in ClinVar:

ClinVar aggregate classification (germline): Uncertain significance (1 of 4 stars; one submission).

gnomAD v4.1: 19 of 1,614,060 alleles (0.0012%); highest among the groups gnomAD compares: African/African-American, 0.0053%; no homozygotes.

Submission:

GeneDx
Classification: Uncertain significance. Last evaluated: 2026-09-26. Review status: criteria provided, single submitter. Criteria: GeneDx Variant Classification Process June 2021. Collection method: clinical testing. Allele origin: germline.
Comment: Not observed at significant frequency in large population cohorts (gnomAD); In silico analysis suggests that this missense variant does not alter protein structure/function; Has not been previously published as pathogenic or benign to our knowledge

NM_020964.3(EPG5):c.394G>A (p.Val132Ile)

Gene: EPG5 (ectopic P-granules 5 autophagy tethering factor; minus strand). Cytogenetic location: 18q21.1.
Variant type: single nucleotide variant.
Coding change: c.394G>A on transcript NM_020964.3 (MANE Select); coding-DNA position 394, G replaced by A.
Protein change: p.Val132Ile; replaces valine 132 with isoleucine.
Molecular consequence: missense variant.
Genome position (GRCh38, 1-based): chr18:45,955,008, C>T on the plus strand (G>A on the coding strand, the complement: EPG5 is on the minus strand). VCF-style: chr18-45955008-C-T. GRCh37 (hg19) VCF-style: chr18-43534974-C-T.
Other names: c.394G>A, p.Val132Ile (NM_001410858.1, NM_001410859.1); short protein forms V132I.
Identifiers: ClinVar variation 3392629 (VCV003392629.2).